The following is an entry in ClinVar:

ClinVar aggregate classification (germline): Conflicting classifications of pathogenicity. Review status: criteria provided, conflicting classifications (1 of 4 stars). 3 submissions from 3 submitters: Uncertain significance (1); Benign (1). 1 of the submissions does not count toward it. Last evaluated 2023-12-28.

Conditions:
Inborn genetic diseases. Identifiers: MedGen C0950123, MeSH D030342.
EXPH5-related disorder. Also called: EXPH5-related condition.

Allele frequency attached by ClinVar (database versions not stated): gnomAD 0.00011 and 0.00010; 1000 Genomes Project 30x 0.00062; TOPMed 0.00015; 1000 Genomes Project 0.00060.

Submissions (3):

Labcorp Genetics (formerly Invitae), Labcorp
Classification: Benign. Last evaluated: 2023-12-28. Review status: criteria provided, single submitter. Criteria: Invitae Variant Classification Sherloc (09022015). Collection method: clinical testing. Allele origin: germline.

Ambry Genetics
Classification: Uncertain significance for Inborn genetic diseases. Last evaluated: 2023-12-17. Review status: criteria provided, single submitter. Criteria: Ambry Variant Classification Scheme 2023. Collection method: clinical testing. Allele origin: germline.

PreventionGenetics, part of Exact Sciences
Classification: Likely benign for EXPH5-related condition. Last evaluated: 2024-09-27. Review status: no assertion criteria provided. Collection method: clinical testing. Allele origin: germline. Not counted in ClinVar's aggregate classification.
Comment: This variant is classified as likely benign based on ACMG/AMP sequence variant interpretation guidelines (Richards et al. 2015 PMID: 25741868, with internal and published modifications).

NM_015065.3(EXPH5):c.3947T>C (p.Met1316Thr)

Gene: EXPH5 (exophilin 5; minus strand). Cytogenetic location: 11q22.3.
Variant type: single nucleotide variant.
Coding change: c.3947T>C on transcript NM_015065.3 (MANE Select); coding-DNA position 3947, T replaced by C.
Protein change: p.Met1316Thr; replaces methionine 1316 with threonine.
Molecular consequence: missense variant.
Genome position (GRCh38, 1-based): chr11:108,511,560, A>G on the plus strand (T>C on the coding strand, the complement: EXPH5 is on the minus strand). VCF-style: chr11-108511560-A-G. GRCh37 (hg19) VCF-style: chr11-108382287-A-G.
Other names: c.3719T>C, p.Met1240Thr (NM_001144763.2); c.3479T>C, p.Met1160Thr (NM_001144764.2); c.3383T>C, p.Met1128Thr (NM_001144765.2); c.3926T>C, p.Met1309Thr (NM_001308019.2); short protein forms M1128T, M1240T, M1309T, M1316T, M1160T.
Identifiers: ClinVar variation 735022 (VCV000735022.8), dbSNP rs114599272, ClinGen allele CA6267606.
Genomic context (GRCh38, chr11:108,511,560, plus strand): 5'-TTTGATAATCGGAAGGCAGTCATATTTTCAGTGGTGAGCGTCTGATCAGAGTTGACGGAC[A>G]TCTTTAGATTTTCACATGAAGGTGTTCCTGACTGCTCTCGTGTAGAATAATTCTGTTTGT-3'
Protein context (NP_055880.2, residues 1306-1326): SGTPSCENLK[Met1316Thr]SVNSDQTLTT